The following is an entry in ClinVar:

ClinVar aggregate classification (germline): Uncertain significance (1 of 4 stars; one submission).

Conditions:
Hereditary pancreatitis (PCTT). Also called: Hereditary chronic pancreatitis; PRSS1-Related Hereditary Pancreatitis. Identifiers: Orphanet 676, MedGen C0238339, MONDO:0008185, OMIM 167800.

Submission:

Ambry Genetics
Classification: Uncertain significance for Hereditary pancreatitis. Last evaluated: 2022-04-30. Review status: criteria provided, single submitter. Criteria: Ambry Variant Classification Scheme 2023. Collection method: clinical testing. Allele origin: germline.
Comment: The p.A173S variant (also known as c.517G>T), located in coding exon 4 of the PRSS1 gene, results from a G to T substitution at nucleotide position 517. The alanine at codon 173 is replaced by serine, an amino acid with similar properties. This amino acid position is conserved. In addition, this alteration is predicted to be tolerated by in silico analysis. Since supporting evidence is limited at this time, the clinical significance of this alteration remains unclear.

NM_002769.5(PRSS1):c.517G>T (p.Ala173Ser)

Genes: TRB (T cell receptor beta locus; plus strand), PRSS1 (serine protease 1; plus strand). Cytogenetic location: 7q34.
Variant type: single nucleotide variant.
Coding change: c.517G>T on transcript NM_002769.5 (MANE Select); coding-DNA position 517, G replaced by T.
Protein change: p.Ala173Ser; replaces alanine 173 with serine.
Molecular consequence: missense variant. On other transcripts: non-coding transcript variant (5).
Genome position (GRCh38, 1-based): chr7:142,752,493, G>T. VCF-style: chr7-142752493-G-T. GRCh37 (hg19) VCF-style: chr7-142460344-G-T.
Other names: short protein forms A173S.
Identifiers: ClinVar variation 1745852 (VCV001745852.2), dbSNP rs1459352387, ClinGen allele CA369609609.